The following is an entry in ClinVar:

ClinVar aggregate classification (germline): Likely benign (1 of 4 stars; one submission).

Submission:

CeGaT Center for Human Genetics Tuebingen
Classification: Likely benign. Last evaluated: 2024-06-01. Review status: criteria provided, single submitter. Criteria: CeGaT Center For Human Genetics Tuebingen Variant Classification Criteria Version 2. Collection method: clinical testing. Allele origin: germline. Affected: yes. Observed: 1 variant allele.
Comment: TTN: PM2:Supporting, BP4, BP7

NM_001267550.2(TTN):c.39807A>T (p.Pro13269=)

Gene: TTN (titin; minus strand). Cytogenetic location: 2q31.2.
Variant type: single nucleotide variant.
Coding change: c.39807A>T on transcript NM_001267550.2 (MANE Select); coding-DNA position 39807, A replaced by T.
Protein change: p.Pro13269=; no amino-acid change (proline 13269 retained).
Molecular consequence: synonymous variant. On other transcripts: intron variant (3).
Genome position (GRCh38, 1-based): chr2:178,650,174, T>A on the plus strand (A>T on the coding strand, the complement: TTN is on the minus strand). VCF-style: chr2-178650174-T-A. GRCh37 (hg19) VCF-style: chr2-179514901-T-A.
Other names: c.35286A>T, p.Pro11762= (NM_001256850.1); c.32505A>T, p.Pro10835= (NM_133378.4); c.13283-7857A>T (NM_003319.4); c.13859-7857A>T (NM_133437.4); c.13658-7857A>T (NM_133432.3).
Identifiers: ClinVar variation 3250767 (VCV003250767.18), dbSNP rs2472284342.